The following is an entry in ClinVar:

ClinVar aggregate classification (germline): Conflicting classifications of pathogenicity. Review status: criteria provided, conflicting classifications (1 of 4 stars). 3 submissions from 3 submitters: Uncertain significance (2); Likely benign (1). Last evaluated 2024-04-12.

Conditions:
Inborn genetic diseases. Identifiers: MedGen C0950123, MeSH D030342.

Allele frequency attached by ClinVar (database versions not stated): TOPMed 0.00002; gnomAD 0.00003; gnomAD exomes 0.00010; ExAC 0.00015.
gnomAD v4.1: 104 of 1,112,624 alleles (0.0093%); highest among the groups gnomAD compares: Non-Finnish European, 0.012%; no homozygotes.

Submissions (3):

Ambry Genetics
Classification: Uncertain significance for Inborn genetic diseases. Last evaluated: 2024-04-12. Review status: criteria provided, single submitter. Criteria: Ambry Variant Classification Scheme 2023. Collection method: clinical testing. Allele origin: germline.

Labcorp Genetics (formerly Invitae), Labcorp
Classification: Uncertain significance. Last evaluated: 2023-08-11. Review status: criteria provided, single submitter. Criteria: Invitae Variant Classification Sherloc (09022015). Collection method: clinical testing. Allele origin: germline.
Comment: This sequence change replaces alanine, which is neutral and non-polar, with threonine, which is neutral and polar, at codon 160 of the NYX protein (p.Ala160Thr). The frequency data for this variant in the population databases is considered unreliable, as metrics indicate poor data quality at this position in the gnomAD database. This variant has not been reported in the literature in individuals affected with NYX-related conditions. ClinVar contains an entry for this variant (Variation ID: 1054926). Advanced modeling of protein sequence and biophysical properties (such as structural, functional, and spatial information, amino acid conservation, physicochemical variation, residue mobility, and thermodynamic stability) performed at Invitae indicates that this missense variant is not expected to disrupt NYX protein function. In summary, the available evidence is currently insufficient to determine the role of this variant in disease. Therefore, it has been classified as a Variant of Uncertain Significance.

Blueprint Genetics
Classification: Likely benign. Last evaluated: 2021-07-13. Review status: criteria provided, single submitter. Criteria: ACMG Guidelines, 2015. Collection method: clinical testing. Allele origin: germline.

NM_001378477.3(NYX):c.463G>A (p.Ala155Thr)

Gene: NYX (nyctalopin; plus strand). Cytogenetic location: Xp11.4.
Variant type: single nucleotide variant.
Coding change: c.463G>A on transcript NM_001378477.3 (MANE Select); coding-DNA position 463, G replaced by A.
Protein change: p.Ala155Thr; replaces alanine 155 with threonine.
Molecular consequence: missense variant.
Genome position (GRCh38, 1-based): chrX:41,473,931, G>A. VCF-style: chrX-41473931-G-A. GRCh37 (hg19) VCF-style: chrX-41333184-G-A.
Other names: c.463G>A, p.Ala155Thr (NM_022567.3); c.478G>A (NM_022567.2); short protein forms A155T.
Identifiers: ClinVar variation 1054926 (VCV001054926.11), dbSNP rs753595772, ClinGen allele CA10389825.